The following is an entry in ClinVar:

NM_000038.6(APC):c.3748A>C (p.Lys1250Gln)

Gene: APC (APC regulator of Wnt signaling pathway; plus strand). Cytogenetic location: 5q22.2.
Variant type: single nucleotide variant.
Coding change: c.3748A>C on transcript NM_000038.6 (MANE Select); coding-DNA position 3748, A replaced by C.
Protein change: p.Lys1250Gln; replaces lysine 1250 with glutamine.
Molecular consequence: missense variant. On other transcripts: non-coding transcript variant (2).
Genome position (GRCh38, 1-based): chr5:112,839,342, A>C. VCF-style: chr5-112839342-A-C. GRCh37 (hg19) VCF-style: chr5-112175039-A-C.
Other names: c.3748A>C, p.Lys1250Gln (NM_001127510.3, NM_001354895.2, NM_001407450.1); c.3694A>C, p.Lys1232Gln (NM_001127511.3); c.3802A>C, p.Lys1268Gln (NM_001354896.2, NM_001407447.1, NM_001407448.1 and 1 more transcripts); c.3832A>C, p.Lys1278Gln (NM_001407446.1); c.3727A>C, p.Lys1243Gln (NM_001407451.1); c.3718A>C, p.Lys1240Gln (NM_001407452.1); c.3571A>C, p.Lys1191Gln (NM_001407453.1, NM_001354901.2); c.3499A>C, p.Lys1167Gln (NM_001407454.1, NM_001407455.1, NM_001407456.1 and 1 more transcripts); and 11 more; short protein forms K1159Q, K1222Q, K1240Q, K1167Q, K1225Q, K1243Q, K1250Q, K1260Q.
Identifiers: ClinVar variation 3304079 (VCV003304079.3).

ClinVar aggregate classification (germline): Uncertain significance. Review status: criteria provided, multiple submitters, no conflicts (2 of 4 stars). 2 submissions from 2 submitters: Uncertain significance (2). Last evaluated 2024-12-22.

Conditions:
Hereditary cancer-predisposing syndrome. Also called: Tumor predisposition; Hereditary Cancer Syndrome; Hereditary neoplastic syndrome; Neoplastic Syndromes, Hereditary. Identifiers: Orphanet 140162, MedGen C0027672, MeSH D009386, MONDO:0015356.
Familial adenomatous polyposis 1 (FAP1). Also called: FAMILIAL ADENOMATOUS POLYPOSIS 1, ATTENUATED; POLYPOSIS, ADENOMATOUS INTESTINAL. Identifiers: MedGen C2713442, MONDO:0021056, OMIM 175100. Disease mechanism: loss of function.

Submissions (2):

Labcorp Genetics (formerly Invitae), Labcorp
Classification: Uncertain significance for Familial adenomatous polyposis 1. Last evaluated: 2024-12-22. Review status: criteria provided, single submitter. Criteria: Invitae Variant Classification Sherloc (09022015). Collection method: clinical testing. Allele origin: germline.
Comment: This sequence change replaces lysine, which is basic and polar, with glutamine, which is neutral and polar, at codon 1250 of the APC protein (p.Lys1250Gln). This variant is not present in population databases (gnomAD no frequency). This variant has not been reported in the literature in individuals affected with APC-related conditions. Invitae Evidence Modeling of protein sequence and biophysical properties (such as structural, functional, and spatial information, amino acid conservation, physicochemical variation, residue mobility, and thermodynamic stability) indicates that this missense variant is not expected to disrupt APC protein function with a negative predictive value of 95%. In summary, the available evidence is currently insufficient to determine the role of this variant in disease. Therefore, it has been classified as a Variant of Uncertain Significance.

Ambry Genetics
Classification: Uncertain significance for Hereditary cancer-predisposing syndrome. Last evaluated: 2024-03-15. Review status: criteria provided, single submitter. Criteria: Ambry Variant Classification Scheme 2023. Collection method: clinical testing. Allele origin: germline.
Comment: The p.K1250Q variant (also known as c.3748A>C), located in coding exon 15 of the APC gene, results from an A to C substitution at nucleotide position 3748. The lysine at codon 1250 is replaced by glutamine, an amino acid with similar properties. This amino acid position is conserved. In addition, in silico predictors for this gene do not accurately predict pathogenicity. Based on the available evidence, the clinical significance of this alteration remains unclear.